The following is an entry in ClinVar:

NM_000392.5(ABCC2):c.2748-2A>C

Genes: ABCC2 (ATP binding cassette subfamily C member 2; plus strand), LOC126861012 (BRD4-independent group 4 enhancer GRCh37_chr10:101589748-101590947; plus strand). Cytogenetic location: 10q24.2.
Variant type: single nucleotide variant.
Coding change: c.2748-2A>C on transcript NM_000392.5 (MANE Select); the canonical splice acceptor site of the intron before coding-DNA position 2748, A replaced by C.
Molecular consequence: splice acceptor variant.
Genome position (GRCh38, 1-based): chr10:99,830,714, A>C. VCF-style: chr10-99830714-A-C. GRCh37 (hg19) VCF-style: chr10-101590471-A-C.
Identifiers: ClinVar variation 2818167 (VCV002818167.3), dbSNP rs1392791154, ClinGen allele CA378121071.

ClinVar aggregate classification (germline): Likely pathogenic (1 of 4 stars; one submission).

Allele frequency attached by ClinVar (database versions not stated): TOPMed below 0.00001; gnomAD 0.00001.
gnomAD v4.1: 3 of 1,613,988 alleles (0.00019%); highest among the groups gnomAD compares: Non-Finnish European, 0.00025%; no homozygotes.

Submission:

Labcorp Genetics (formerly Invitae), Labcorp
Classification: Likely pathogenic. Last evaluated: 2025-12-21. Review status: criteria provided, single submitter. Criteria: Invitae Variant Classification Sherloc (09022015). Collection method: clinical testing. Allele origin: germline.
Comment: This sequence change affects an acceptor splice site in intron 20 of the ABCC2 gene. It is expected to disrupt RNA splicing. Variants that disrupt the donor or acceptor splice site typically lead to a loss of protein function (PMID: 16199547), and loss-of-function variants in ABCC2 are known to be pathogenic (PMID: 9185779, 16549534, 16952291). This variant is not present in population databases (gnomAD no frequency). This variant has not been reported in the literature in individuals affected with ABCC2-related conditions. ClinVar contains an entry for this variant (Variation ID: 2818167). Algorithms developed to predict the effect of sequence changes on RNA splicing suggest that this variant may disrupt the consensus splice site. In summary, the currently available evidence indicates that the variant is pathogenic, but additional data are needed to prove that conclusively. Therefore, this variant has been classified as Likely Pathogenic.

Literature cited by the submitters: PubMed 16199547; PubMed 9185779; PubMed 16549534; PubMed 16952291.